The following is an entry in ClinVar:

NM_000388.4(CASR):c.273G>C (p.Leu91Phe)

Gene: CASR (calcium sensing receptor; plus strand). Cytogenetic location: 3q21.1.
Variant type: single nucleotide variant.
Coding change: c.273G>C on transcript NM_000388.4 (MANE Select); coding-DNA position 273, G replaced by C.
Protein change: p.Leu91Phe; replaces leucine 91 with phenylalanine.
Molecular consequence: missense variant.
Genome position (GRCh38, 1-based): chr3:122,257,168, G>C. VCF-style: chr3-122257168-G-C. GRCh37 (hg19) VCF-style: chr3-121976015-G-C.
Other names: c.273G>C, p.Leu91Phe (NM_001178065.2); short protein forms L91F.
Identifiers: ClinVar variation 1515253 (VCV001515253.6), dbSNP rs2107627555, ClinGen allele CA354362538.

ClinVar aggregate classification (germline): Uncertain significance (1 of 4 stars; one submission).

Conditions:
Familial hypocalciuric hypercalcemia (FHH). Also called: Familial benign hypercalcemia. Identifiers: Orphanet 405, MedGen C1809471, MONDO:0018458.
Autosomal dominant hypocalcemia 1 (HYPOC1). Also called: HYPOCALCEMIA, FAMILIAL. Identifiers: MedGen C3715128, MONDO:0011013, OMIM 601198.

Allele frequency attached by ClinVar (database versions not stated): gnomAD exomes below 0.00001.
gnomAD v4.1: 2 of 1,613,906 alleles (0.00012%); highest among the groups gnomAD compares: Non-Finnish European, 0.00017%; no homozygotes.

Submission:

Labcorp Genetics (formerly Invitae), Labcorp
Classification: Uncertain significance for Familial hypocalciuric hypercalcemia; Autosomal dominant hypocalcemia 1. Last evaluated: 2021-07-28. Review status: criteria provided, single submitter. Criteria: Invitae Variant Classification Sherloc (09022015). Collection method: clinical testing. Allele origin: germline.
Comment: In summary, the available evidence is currently insufficient to determine the role of this variant in disease. Therefore, it has been classified as a Variant of Uncertain Significance. Algorithms developed to predict the effect of missense changes on protein structure and function (SIFT, PolyPhen-2, Align-GVGD) all suggest that this variant is likely to be tolerated. This variant has not been reported in the literature in individuals affected with CASR-related conditions. This variant is not present in population databases (ExAC no frequency). This sequence change replaces leucine with phenylalanine at codon 91 of the CASR protein (p.Leu91Phe). The leucine residue is weakly conserved and there is a small physicochemical difference between leucine and phenylalanine.